The following is an entry in ClinVar:

ClinVar aggregate classification (germline): Uncertain significance (1 of 4 stars; one submission).

gnomAD v4.1: 7 of 1,605,938 alleles (0.00044%); highest among the groups gnomAD compares: South Asian, 0.0011%; no homozygotes.

Submission:

GeneDx
Classification: Uncertain significance. Last evaluated: 2025-06-26. Review status: criteria provided, single submitter. Criteria: GeneDx Variant Classification Process June 2021. Collection method: clinical testing. Allele origin: germline. Affected: yes.
Comment: Not observed at significant frequency in large population cohorts (gnomAD); In silico analysis supports a deleterious effect on splicing; Has not been previously published as pathogenic or benign to our knowledge

NM_005006.7(NDUFS1):c.336C>T (p.Ala112=)

Gene: NDUFS1 (NADH:ubiquinone oxidoreductase core subunit S1; minus strand). Cytogenetic location: 2q33.3.
Variant type: single nucleotide variant.
Coding change: c.336C>T on transcript NM_005006.7 (MANE Select); coding-DNA position 336, C replaced by T.
Protein change: p.Ala112=; no amino-acid change (alanine 112 retained).
Molecular consequence: synonymous variant. On other transcripts: intron variant (1).
Genome position (GRCh38, 1-based): chr2:206,149,022, G>A on the plus strand (C>T on the coding strand, the complement: NDUFS1 is on the minus strand). VCF-style: chr2-206149022-G-A. GRCh37 (hg19) VCF-style: chr2-207013746-G-A.
Other names: c.228C>T, p.Ala76= (NM_001199981.2); c.165C>T, p.Ala55= (NM_001199983.2); c.378C>T, p.Ala126= (NM_001199984.2); c.6-1188C>T (NM_001199982.2).
Identifiers: ClinVar variation 4540318 (VCV004540318.1).